The following is an entry in ClinVar:

ClinVar aggregate classification (germline): Uncertain significance. Review status: criteria provided, multiple submitters, no conflicts (2 of 4 stars). 4 submissions from 4 submitters: Uncertain significance (4). Last evaluated 2025-11-24.

Conditions:
Colorectal cancer. Also called: Malignant Colorectal Neoplasm; Colorectal cancer, somatic. Identifiers: MedGen C0346629, MONDO:0005575, OMIM 114500.
Oligodontia-cancer predisposition syndrome. Also called: TOOTH AGENESIS-COLORECTAL CANCER SYNDROME. Identifiers: Orphanet 300576, MedGen C1837750, MONDO:0012075, OMIM 608615. Disease mechanism: loss of function.
Hereditary cancer-predisposing syndrome. Also called: Neoplastic Syndromes, Hereditary; Tumor predisposition; Hereditary Cancer Syndrome; Hereditary neoplastic syndrome. Identifiers: Orphanet 140162, MedGen C0027672, MeSH D009386, MONDO:0015356.

Submissions (4):

Ambry Genetics
Classification: Uncertain significance for Hereditary cancer-predisposing syndrome. Last evaluated: 2025-11-24. Review status: criteria provided, single submitter. Criteria: Ambry Variant Classification Scheme 2023. Collection method: clinical testing. Allele origin: germline.
Comment: The p.S553W variant (also known as c.1658C>G), located in coding exon 5 of the AXIN2 gene, results from a C to G substitution at nucleotide position 1658. The serine at codon 553 is replaced by tryptophan, an amino acid with highly dissimilar properties. This amino acid position is not well conserved in available vertebrate species. In addition, this alteration is predicted to be tolerated by in silico analysis. Since supporting evidence is limited at this time, the clinical significance of this alteration remains unclear.

Labcorp Genetics (formerly Invitae), Labcorp
Classification: Uncertain significance for Oligodontia-cancer predisposition syndrome. Last evaluated: 2025-06-18. Review status: criteria provided, single submitter. Criteria: Invitae Variant Classification Sherloc (09022015). Collection method: clinical testing. Allele origin: germline.
Comment: This sequence change replaces serine, which is neutral and polar, with tryptophan, which is neutral and slightly polar, at codon 553 of the AXIN2 protein (p.Ser553Trp). This variant is present in population databases (no rsID available, gnomAD 0.002%). This variant has not been reported in the literature in individuals affected with AXIN2-related conditions. ClinVar contains an entry for this variant (Variation ID: 464563). Invitae Evidence Modeling of protein sequence and biophysical properties (such as structural, functional, and spatial information, amino acid conservation, physicochemical variation, residue mobility, and thermodynamic stability) indicates that this missense variant is not expected to disrupt AXIN2 protein function with a negative predictive value of 80%. In summary, the available evidence is currently insufficient to determine the role of this variant in disease. Therefore, it has been classified as a Variant of Uncertain Significance.

Fulgent Genetics
Classification: Uncertain significance for Colorectal cancer; Oligodontia-cancer predisposition syndrome. Last evaluated: 2024-05-16. Review status: criteria provided, single submitter. Criteria: ACMG Guidelines, 2015. Collection method: clinical testing. Allele origin: germline.

GeneDx
Classification: Uncertain significance. Last evaluated: 2020-02-28. Review status: criteria provided, single submitter. Criteria: GeneDx Variant Classification Process June 2021. Collection method: clinical testing. Allele origin: germline. Affected: yes.
Comment: Not observed at a significant frequency in large population cohorts (Lek 2016); In silico analysis supports that this missense variant has a deleterious effect on protein structure/function; Has not been previously published as pathogenic or benign to our knowledge

NM_004655.4(AXIN2):c.1658C>G (p.Ser553Trp)

Gene: AXIN2 (axin 2; minus strand). Cytogenetic location: 17q24.1.
Variant type: single nucleotide variant.
Coding change: c.1658C>G on transcript NM_004655.4 (MANE Select); coding-DNA position 1658, C replaced by G.
Protein change: p.Ser553Trp; replaces serine 553 with tryptophan.
Molecular consequence: missense variant.
Genome position (GRCh38, 1-based): chr17:65,537,378, G>C on the plus strand (C>G on the coding strand, the complement: AXIN2 is on the minus strand). VCF-style: chr17-65537378-G-C. GRCh37 (hg19) VCF-style: chr17-63533496-G-C.
Other names: c.1658C>G, p.Ser553Trp (NM_001363813.1); c.1658C>G (LRG_296t1); short protein forms S553W.
Identifiers: ClinVar variation 464563 (VCV000464563.17), dbSNP rs1453965356, ClinGen allele CA400676963.